The following is an entry in ClinVar:

NM_000552.5(VWF):c.2926C>T (p.Arg976Cys)

Gene: VWF (von Willebrand factor; minus strand). Cytogenetic location: 12p13.31.
Variant type: single nucleotide variant.
Coding change: c.2926C>T on transcript NM_000552.5 (MANE Select); coding-DNA position 2926, C replaced by T.
Protein change: p.Arg976Cys; replaces arginine 976 with cysteine.
Molecular consequence: missense variant.
Genome position (GRCh38, 1-based): chr12:6,029,383, G>A on the plus strand (C>T on the coding strand, the complement: VWF is on the minus strand). VCF-style: chr12-6029383-G-A. GRCh37 (hg19) VCF-style: chr12-6138549-G-A.
Other names: short protein forms R976C.
Identifiers: ClinVar variation 1330077 (VCV001330077.4), dbSNP rs764251476, ClinGen allele CA6402907.

ClinVar aggregate classification (germline): Uncertain significance. Review status: criteria provided, multiple submitters, no conflicts (2 of 4 stars). 3 submissions from 3 submitters: Uncertain significance (3). Last evaluated 2024-02-19.

Allele frequency attached by ClinVar (database versions not stated): gnomAD 0.00001; gnomAD exomes 0.00004 and 0.00006; TOPMed 0.00005; ExAC 0.00007.
gnomAD v4.1: 88 of 1,613,894 alleles (0.0055%); highest among the groups gnomAD compares: Admixed American, 0.0067%; no homozygotes.

Submissions (3):

Women's Health and Genetics/Laboratory Corporation of America, LabCorp
Classification: Uncertain significance. Last evaluated: 2024-02-19. Review status: criteria provided, single submitter. Criteria: LabCorp Variant Classification Summary - May 2015. Collection method: clinical testing. Allele origin: germline.
Comment: Variant summary: VWF c.2926C>T (p.Arg976Cys) results in a non-conservative amino acid change in the encoded protein sequence. Three of five in-silico tools predict a damaging effect of the variant on protein function. The variant allele was found at a frequency of 4e-05 in 251378 control chromosomes. c.2926C>T has been reported in the literature in several individuals affected with Von Willebrand Disease 2A, however primary information was not provided in all the patients for further analysis and some patients did not carry an apparently pathogenic second variant in VWF (Borras_2017, Perez-Rodriguez_2018, Schneppenheim_2010). These report(s) do not provide unequivocal conclusions about association of the variant with Von Willebrand Disease. At least one publication reports experimental evidence evaluating an impact on protein function. The most pronounced variant effect results in about 50% of normal activity in 293-EBNA cells. The following publications have been ascertained in the context of this evaluation (PMID: 28971901, 29924855, 20351307). ClinVar contains an entry for this variant (Variation ID: 1330077). Based on the evidence outlined above, the variant was classified as uncertain significance.

Blueprint Genetics
Classification: Uncertain significance. Last evaluated: 2024-01-08. Review status: criteria provided, single submitter. Criteria: ACMG Guidelines, 2015. Collection method: clinical testing. Allele origin: germline.

Quest Diagnostics Nichols Institute San Juan Capistrano
Classification: Uncertain significance. Last evaluated: 2021-02-10. Review status: criteria provided, single submitter. Criteria: Quest Diagnostics criteria. Collection method: clinical testing. Allele origin: unknown.

Literature cited by the submitters: PubMed 28971901 (cited by Women's Health and Genetics/Laboratory Corporation of America, LabCorp and Quest Diagnostics Nichols Institute San Juan Capistrano); PubMed 29924855 (cited by Women's Health and Genetics/Laboratory Corporation of America, LabCorp and Quest Diagnostics Nichols Institute San Juan Capistrano); PubMed 20351307 (cited by Women's Health and Genetics/Laboratory Corporation of America, LabCorp and Quest Diagnostics Nichols Institute San Juan Capistrano).